The following is an entry in ClinVar:

NM_006662.3(SRCAP):c.8483G>A (p.Arg2828His)

Gene: SRCAP (Snf2 related CREBBP activator protein; plus strand). Cytogenetic location: 16p11.2.
Variant type: single nucleotide variant.
Coding change: c.8483G>A on transcript NM_006662.3 (MANE Select); coding-DNA position 8483, G replaced by A.
Protein change: p.Arg2828His; replaces arginine 2828 with histidine.
Molecular consequence: missense variant.
Genome position (GRCh38, 1-based): chr16:30,738,523, G>A. VCF-style: chr16-30738523-G-A. GRCh37 (hg19) VCF-style: chr16-30749844-G-A.
Other names: c.8483G>A (NM_006662.2); short protein forms R2828H.
Identifiers: ClinVar variation 1362685 (VCV001362685.7), dbSNP rs148477226, ClinGen allele CA8012706.

ClinVar aggregate classification (germline): Conflicting classifications of pathogenicity. Review status: criteria provided, conflicting classifications (1 of 4 stars). 2 submissions from 2 submitters: Uncertain significance (1); Likely benign (1). Last evaluated 2025-10-08.

Conditions:
Inborn genetic diseases. Identifiers: MedGen C0950123, MeSH D030342.

Allele frequency attached by ClinVar (database versions not stated): gnomAD 0.00004; TOPMed 0.00005; gnomAD exomes 0.00006 and 0.00011; ExAC 0.00007; ESP Exome Variant Server 0.00015.
gnomAD v4.1: 171 of 1,611,856 alleles (0.011%); highest among the groups gnomAD compares: Non-Finnish European, 0.013%; no homozygotes.

Submissions (2):

Labcorp Genetics (formerly Invitae), Labcorp
Classification: Uncertain significance. Last evaluated: 2025-10-08. Review status: criteria provided, single submitter. Criteria: Invitae Variant Classification Sherloc (09022015). Collection method: clinical testing. Allele origin: germline.
Comment: This sequence change replaces arginine, which is basic and polar, with histidine, which is basic and polar, at codon 2828 of the SRCAP protein (p.Arg2828His). This variant is present in population databases (rs148477226, gnomAD 0.01%). This variant has not been reported in the literature in individuals affected with SRCAP-related conditions. ClinVar contains an entry for this variant (Variation ID: 1362685). Invitae Evidence Modeling of protein sequence and biophysical properties (such as structural, functional, and spatial information, amino acid conservation, physicochemical variation, residue mobility, and thermodynamic stability) indicates that this missense variant is not expected to disrupt SRCAP protein function with a negative predictive value of 80%. In summary, the available evidence is currently insufficient to determine the role of this variant in disease. Therefore, it has been classified as a Variant of Uncertain Significance.

Ambry Genetics
Classification: Likely benign for Inborn genetic diseases. Last evaluated: 2024-07-27. Review status: criteria provided, single submitter. Criteria: Ambry Variant Classification Scheme 2023. Collection method: clinical testing. Allele origin: germline.